The following is an entry in ClinVar:

ClinVar aggregate classification (germline): Uncertain significance (1 of 4 stars; one submission).

Submission:

Labcorp Genetics (formerly Invitae), Labcorp
Classification: Uncertain significance. Last evaluated: 2023-06-24. Review status: criteria provided, single submitter. Criteria: Invitae Variant Classification Sherloc (09022015). Collection method: clinical testing. Allele origin: germline.
Comment: This variant, c.2581_2586dup, results in the insertion of 2 amino acid(s) of the ABCC8 protein (p.Ile861_His862dup), but otherwise preserves the integrity of the reading frame. This variant is not present in population databases (gnomAD no frequency). This variant has not been reported in the literature in individuals affected with ABCC8-related conditions. In summary, the available evidence is currently insufficient to determine the role of this variant in disease. Therefore, it has been classified as a Variant of Uncertain Significance.

NM_000352.6(ABCC8):c.2581_2586dup (p.His862_Leu863insIleHis)

Gene: ABCC8 (ATP binding cassette subfamily C member 8; minus strand). Cytogenetic location: 11p15.1.
Variant type: Duplication.
Coding change: c.2581_2586dup on transcript NM_000352.6 (MANE Select); coding-DNA positions 2581 to 2586, 6 bases duplicated (ATCCAT; older notation c.2581_2586dupATCCAT).
Protein change: p.His862_Leu863insIleHis.
Molecular consequence: inframe insertion. On other transcripts: non-coding transcript variant (1).
Genome position (GRCh38, 1-based): chr11:17,410,624-17,410,629, ATGGAT duplicated on the plus strand (ATCCAT on the coding strand, the reverse complement: ABCC8 is on the minus strand); duplicating any 6 consecutive bases within chr11:17,410,624-17,410,631 gives the same sequence; the c. name uses the placement nearest the transcript's 3' end. VCF-style (leftmost placement, unchanged base first): chr11-17410623-G-GATGGAT. GRCh37 (hg19) VCF-style: chr11-17432170-G-GATGGAT.
Other names: c.2584_2589dup, p.His863_Leu864insIleHis (NM_001287174.3); c.2647_2652dup, p.His884_Leu885insIleHis (NM_001351295.2); c.2581_2586dup, p.His862_Leu863insIleHis (NM_001351296.2); c.2578_2583dup, p.His861_Leu862insIleHis (NM_001351297.2).
Identifiers: ClinVar variation 2853857 (VCV002853857.3), dbSNP rs2496558230, ClinGen allele CA2739276242.